The following is an entry in ClinVar:

ClinVar aggregate classification (germline): Uncertain significance. Review status: criteria provided, multiple submitters, no conflicts (2 of 4 stars). 3 submissions from 3 submitters: Uncertain significance (3). Last evaluated 2025-10-01.

Conditions:
Progressive familial heart block type IB (PFHB1B). Identifiers: Orphanet 871, MedGen C1970298, MONDO:0011474, OMIM 604559.
Cardiovascular phenotype. Identifiers: MedGen CN230736.

Allele frequency attached by ClinVar (database versions not stated): gnomAD exomes below 0.00001 and 0.00002; gnomAD 0.00001; TOPMed 0.00001; ExAC 0.00002.
gnomAD v4.1: 8 of 1,613,934 alleles (0.0005%); highest among the groups gnomAD compares: Admixed American, 0.005%; no homozygotes.

Submissions (3):

Labcorp Genetics (formerly Invitae), Labcorp
Classification: Uncertain significance for Progressive familial heart block type IB. Last evaluated: 2025-10-01. Review status: criteria provided, single submitter. Criteria: Invitae Variant Classification Sherloc (09022015). Collection method: clinical testing. Allele origin: germline.
Comment: This sequence change replaces asparagine, which is neutral and polar, with serine, which is neutral and polar, at codon 584 of the TRPM4 protein (p.Asn584Ser). This variant is present in population databases (rs763041320, gnomAD 0.009%). This variant has not been reported in the literature in individuals affected with TRPM4-related conditions. ClinVar contains an entry for this variant (Variation ID: 1208443). An algorithm developed to predict the effect of missense changes on protein structure and function outputs the following: PolyPhen-2: "Benign". The serine amino acid residue is found in multiple mammalian species, which suggests that this missense change does not adversely affect protein function. In summary, the available evidence is currently insufficient to determine the role of this variant in disease. Therefore, it has been classified as a Variant of Uncertain Significance.

Ambry Genetics
Classification: Uncertain significance for Cardiovascular phenotype. Last evaluated: 2024-10-25. Review status: criteria provided, single submitter. Criteria: Ambry Variant Classification Scheme 2023. Collection method: clinical testing. Allele origin: germline.
Comment: The p.N584S variant (also known as c.1751A>G), located in coding exon 13 of the TRPM4 gene, results from an A to G substitution at nucleotide position 1751. The asparagine at codon 584 is replaced by serine, an amino acid with highly similar properties. This amino acid position is conserved. In addition, this alteration is predicted to be tolerated by in silico analysis. Based on the available evidence, the clinical significance of this variant remains unclear.

GeneDx
Classification: Uncertain significance. Last evaluated: 2020-08-06. Review status: criteria provided, single submitter. Criteria: GeneDx Variant Classification Process June 2021. Collection method: clinical testing. Allele origin: germline. Affected: yes.
Comment: Has not been previously published as pathogenic or benign to our knowledge; Not observed at a significant frequency in large population cohorts (Lek et al., 2016); In silico analysis, which includes protein predictors and evolutionary conservation, supports that this variant does not alter protein structure/function

NM_017636.4(TRPM4):c.1751A>G (p.Asn584Ser)

Gene: TRPM4 (transient receptor potential cation channel subfamily M member 4; plus strand). Cytogenetic location: 19q13.33.
Variant type: single nucleotide variant.
Coding change: c.1751A>G on transcript NM_017636.4 (MANE Select); coding-DNA position 1751, A replaced by G.
Protein change: p.Asn584Ser; replaces asparagine 584 with serine.
Molecular consequence: missense variant.
Genome position (GRCh38, 1-based): chr19:49,188,648, A>G. VCF-style: chr19-49188648-A-G. GRCh37 (hg19) VCF-style: chr19-49691905-A-G.
Other names: c.1751A>G, p.Asn584Ser (NM_001195227.2); c.1406A>G, p.Asn469Ser (NM_001321281.2); c.143A>G, p.Asn48Ser (NM_001321282.2); c.1229A>G, p.Asn410Ser (NM_001321283.2); c.689A>G, p.Asn230Ser (NM_001321285.2); short protein forms N230S, N410S, N469S, N48S, N584S.
Identifiers: ClinVar variation 1208443 (VCV001208443.9), dbSNP rs763041320, ClinGen allele CA9569311.
Genomic context (GRCh38, chr19:49,188,648, plus strand): 5'-CTCCCCCTCTATGAACCCTCTTTGACGCATCCGTGCCCTCTTTGTCTCTCCAGGGTTCCA[A>G]TGCAGTTTCCTCAGCTCTTGGGGCCTGTTTGCTGCTCCGGGTGATGGCACGCCTGGAGCC-3'
Protein context (NP_060106.2, residues 574-594): MAMYFWEMGS[Asn584Ser]AVSSALGACL